The following is an entry in ClinVar:

ClinVar aggregate classification (germline): Uncertain significance (1 of 4 stars; one submission).

Conditions:
Kabuki syndrome. Also called: NIIKAWA-KUROKI SYNDROME; Kabuki make-up syndrome. Identifiers: Orphanet 2322, MedGen C0796004, MONDO:0016512.

Submission:

Labcorp Genetics (formerly Invitae), Labcorp
Classification: Uncertain significance for Kabuki syndrome. Last evaluated: 2024-11-16. Review status: criteria provided, single submitter. Criteria: Invitae Variant Classification Sherloc (09022015). Collection method: clinical testing. Allele origin: germline.
Comment: This sequence change replaces threonine, which is neutral and polar, with isoleucine, which is neutral and non-polar, at codon 2195 of the KMT2D protein (p.Thr2195Ile). This variant is not present in population databases (gnomAD no frequency). This variant has not been reported in the literature in individuals affected with KMT2D-related conditions. Invitae Evidence Modeling of protein sequence and biophysical properties (such as structural, functional, and spatial information, amino acid conservation, physicochemical variation, residue mobility, and thermodynamic stability) indicates that this missense variant is not expected to disrupt KMT2D protein function with a negative predictive value of 95%. In summary, the available evidence is currently insufficient to determine the role of this variant in disease. Therefore, it has been classified as a Variant of Uncertain Significance.

NM_003482.4(KMT2D):c.6584C>T (p.Thr2195Ile)

Gene: KMT2D (lysine methyltransferase 2D; minus strand). Cytogenetic location: 12q13.12.
Variant type: single nucleotide variant.
Coding change: c.6584C>T on transcript NM_003482.4 (MANE Select); coding-DNA position 6584, C replaced by T.
Protein change: p.Thr2195Ile; replaces threonine 2195 with isoleucine.
Molecular consequence: missense variant.
Genome position (GRCh38, 1-based): chr12:49,041,186, G>A on the plus strand (C>T on the coding strand, the complement: KMT2D is on the minus strand). VCF-style: chr12-49041186-G-A. GRCh37 (hg19) VCF-style: chr12-49434969-G-A.
Other names: short protein forms T2195I.
Identifiers: ClinVar variation 3610672 (VCV003610672.2).